The following is an entry in ClinVar:

ClinVar aggregate classification (germline): Conflicting classifications of pathogenicity. Review status: criteria provided, conflicting classifications (1 of 4 stars). 4 submissions from 4 submitters: Uncertain significance (2); Likely benign (1). 1 of the submissions does not count toward it. Last evaluated 2021-12-03.

Conditions:
Encephalopathy-hypertrophic cardiomyopathy-renal tubular disease syndrome. Identifiers: Orphanet 319678, MedGen C3553374, MONDO:0013840, OMIM 614654.
Inborn genetic diseases. Identifiers: MedGen C0950123, MeSH D030342.

Allele frequency attached by ClinVar (database versions not stated): gnomAD below 0.00001 and 0.00001.

Submissions (4):

Labcorp Genetics (formerly Invitae), Labcorp
Classification: Uncertain significance. Last evaluated: 2021-12-03. Review status: criteria provided, single submitter. Criteria: Invitae Variant Classification Sherloc (09022015). Collection method: clinical testing. Allele origin: germline.
Comment: In summary, the available evidence is currently insufficient to determine the role of this variant in disease. Therefore, it has been classified as a Variant of Uncertain Significance. Algorithms developed to predict the effect of missense changes on protein structure and function (SIFT, PolyPhen-2, Align-GVGD) all suggest that this variant is likely to be tolerated. ClinVar contains an entry for this variant (Variation ID: 214241). This missense change has been observed in individual(s) with COQ9-related conditions (PMID: 27629047). This variant is present in population databases (rs757251412, gnomAD 0.04%). This sequence change replaces histidine, which is basic and polar, with tyrosine, which is neutral and polar, at codon 62 of the COQ9 protein (p.His62Tyr).

Ambry Genetics
Classification: Uncertain significance for Inborn genetic diseases. Last evaluated: 2021-11-24. Review status: criteria provided, single submitter. Criteria: Ambry Variant Classification Scheme 2023. Collection method: clinical testing. Allele origin: germline.

GeneDx
Classification: Likely benign. Last evaluated: 2013-01-16. Review status: criteria provided, single submitter. Criteria: GeneDx Variant Classification (06012015). Collection method: clinical testing. Allele origin: germline. Affected: yes.
Comment: This variant is considered likely benign or benign based on one or more of the following criteria: it is a conservative change, it occurs at a poorly conserved position in the protein, it is predicted to be benign by multiple in silico algorithms, and/or has population frequency not consistent with disease.

Biochemical Molecular Genetic Laboratory, King Abdulaziz Medical City
Classification: Likely pathogenic for Encephalopathy-hypertrophic cardiomyopathy-renal tubular disease syndrome. Last evaluated: 2019-09-26. Review status: no assertion criteria provided. Collection method: clinical testing. Allele origin: germline. Affected: yes. Not counted in ClinVar's aggregate classification.

Literature cited by the submitters: PubMed 27629047 (cited by Labcorp Genetics (formerly Invitae), Labcorp).

NM_020312.4(COQ9):c.184C>T (p.His62Tyr)

Gene: COQ9 (coenzyme Q9; plus strand). Cytogenetic location: 16q21.
Variant type: single nucleotide variant.
Coding change: c.184C>T on transcript NM_020312.4 (MANE Select); coding-DNA position 184, C replaced by T.
Protein change: p.His62Tyr; replaces histidine 62 with tyrosine.
Molecular consequence: missense variant.
Genome position (GRCh38, 1-based): chr16:57,451,150, C>T. VCF-style: chr16-57451150-C-T. GRCh37 (hg19) VCF-style: chr16-57485062-C-T.
Other names: p.H62Y:CAT>TAT; short protein forms H62Y.
Identifiers: ClinVar variation 214241 (VCV000214241.8), dbSNP rs757251412, ClinGen allele CA320326.
Genomic context (GRCh38, chr16:57,451,150, plus strand): 5'-GTGGGGCTAAGGTCTTCAGATGAGCAGAAGCAGCAGCCTCCCAACTCATTTTCTCAGCAG[C>T]ATTCTGAGACACAGGGGGCAGAAAAACCTGATCCAGAGTCTTCTCATTCACCCCCCAGGT-3'
Protein context (NP_064708.1, residues 52-72): QQPPNSFSQQ[His62Tyr]SETQGAEKPD